The following is an entry in ClinVar:

ClinVar aggregate classification (germline): Pathogenic (1 of 4 stars; one submission).

Conditions:
Inborn genetic diseases. Identifiers: MedGen C0950123, MeSH D030342.

Submissions (2):

Ambry Genetics
Classification: Pathogenic for Inborn genetic diseases. Last evaluated: 2024-09-10. Review status: criteria provided, single submitter. Criteria: Ambry Variant Classification Scheme 2023. Collection method: clinical testing. Allele origin: germline.
Comment: The c.2290C>T (p.R764*) alteration, located in exon 20 (coding exon 19) of the DHX9 gene, consists of a C to T substitution at nucleotide position 2290. This changes the amino acid from an arginine (R) to a stop codon at amino acid position 764. This alteration is expected to result in loss of function by premature protein truncation or nonsense-mediated mRNA decay. This variant was not reported in population-based cohorts in the Genome Aggregation Database (gnomAD). Based on the available evidence, this alteration is classified as pathogenic.

Dr. Peter K. Rogan Lab, Western University
No classification provided (evidence only). Condition: Thyroid cancer, nonmedullary, 1. Review status: no classification provided. Collection method: in vitro. Allele origin: not applicable. Functional consequence: retained intron. Not counted in ClinVar's aggregate classification.

NM_001357.5(DHX9):c.2290C>T (p.Arg764Ter)

Gene: DHX9 (DExH-box helicase 9; plus strand). Cytogenetic location: 1q25.3.
Variant type: single nucleotide variant.
Coding change: c.2290C>T on transcript NM_001357.5 (MANE Select); coding-DNA position 2290, C replaced by T.
Protein change: p.Arg764Ter; replaces arginine 764 with a stop codon.
Molecular consequence: nonsense. On other transcripts: non-coding transcript variant (1).
Genome position (GRCh38, 1-based): chr1:182,878,112, C>T. VCF-style: chr1-182878112-C-T. GRCh37 (hg19) VCF-style: chr1-182847247-C-T.
Other names: NC_000001.10:g.182847247C>T; short protein forms R764*.
Identifiers: ClinVar variation 3501762 (VCV003501762.2).